The following is an entry in ClinVar:

NM_005120.3(MED12):c.2146G>C (p.Glu716Gln)

Gene: MED12 (mediator complex subunit 12; plus strand). Cytogenetic location: Xq13.1.
Variant type: single nucleotide variant.
Coding change: c.2146G>C on transcript NM_005120.3 (MANE Select); coding-DNA position 2146, G replaced by C.
Protein change: p.Glu716Gln; replaces glutamic acid 716 with glutamine.
Molecular consequence: missense variant.
Genome position (GRCh38, 1-based): chrX:71,125,066, G>C. VCF-style: chrX-71125066-G-C. GRCh37 (hg19) VCF-style: chrX-70344916-G-C.
Other names: short protein forms E716Q.
Identifiers: ClinVar variation 1720431 (VCV001720431.6), dbSNP rs2519677834, ClinGen allele CA413511354.

ClinVar aggregate classification (germline): Uncertain significance (1 of 4 stars; one submission).

Conditions:
FG syndrome (FGS). Identifiers: MedGen C0220769, MONDO:0002010.

Submission:

Labcorp Genetics (formerly Invitae), Labcorp
Classification: Uncertain significance for FG syndrome. Last evaluated: 2022-09-26. Review status: criteria provided, single submitter. Criteria: Invitae Variant Classification Sherloc (09022015). Collection method: clinical testing. Allele origin: germline.
Comment: This sequence change replaces glutamic acid, which is acidic and polar, with glutamine, which is neutral and polar, at codon 716 of the MED12 protein (p.Glu716Gln). This variant is not present in population databases (gnomAD no frequency). This variant has not been reported in the literature in individuals affected with MED12-related conditions. Advanced modeling of protein sequence and biophysical properties (such as structural, functional, and spatial information, amino acid conservation, physicochemical variation, residue mobility, and thermodynamic stability) performed at Invitae indicates that this missense variant is not expected to disrupt MED12 protein function. In summary, the available evidence is currently insufficient to determine the role of this variant in disease. Therefore, it has been classified as a Variant of Uncertain Significance.